The following is an entry in ClinVar:

NM_001111125.3(IQSEC2):c.2352_2353del (p.Pro785fs)

Gene: IQSEC2 (IQ motif and Sec7 domain ArfGEF 2; minus strand). Cytogenetic location: Xp11.22.
Variant type: Microsatellite.
Coding change: c.2352_2353del on transcript NM_001111125.3 (MANE Select); coding-DNA positions 2352 to 2353, 2 bases deleted (AC; older notation c.2352_2353delAC).
Protein change: p.Pro785fs; shifts the reading frame from proline 785.
Molecular consequence: frameshift variant.
Genome position (GRCh38, 1-based): chrX:53,248,827-53,248,828, GT deleted on the plus strand (AC on the coding strand, the reverse complement: IQSEC2 is on the minus strand); deleting any 2 consecutive bases within chrX:53,248,827-53,248,832 gives the same sequence; the c. name uses the placement nearest the transcript's 3' end. VCF-style (leftmost placement, unchanged base first): chrX-53248826-GGT-G. GRCh37 (hg19) VCF-style: chrX-53278008-GGT-G.
Other names: c.2352_2353del, p.Pro785fs (NM_001410736.1); c.1737_1738del, p.Pro580fs (NM_015075.2); short protein forms P580fs, P785fs.
Identifiers: ClinVar variation 2768008 (VCV002768008.3), dbSNP rs2519787344, ClinGen allele CA2697553116.

ClinVar aggregate classification (germline): Pathogenic (1 of 4 stars; one submission).

Conditions:
Intellectual developmental disorder, X-linked 1. Also called: Atkin Flaitz Patil Smith syndrome; Intellectual disability, X-linked 1; MENTAL RETARDATION, X-LINKED 18; MENTAL RETARDATION, X-LINKED 78. Identifiers: Orphanet 777, MedGen C2931498, MONDO:0010656, OMIM 309530.

Submission:

Labcorp Genetics (formerly Invitae), Labcorp
Classification: Pathogenic for Intellectual developmental disorder, X-linked 1. Last evaluated: 2023-10-13. Review status: criteria provided, single submitter. Criteria: Invitae Variant Classification Sherloc (09022015). Collection method: clinical testing. Allele origin: germline.
Comment: This sequence change creates a premature translational stop signal (p.Pro785Glyfs*40) in the IQSEC2 gene. It is expected to result in an absent or disrupted protein product. Loss-of-function variants in IQSEC2 are known to be pathogenic (PMID: 21686261, 26793055, 27665735). This variant is not present in population databases (gnomAD no frequency). This variant has not been reported in the literature in individuals affected with IQSEC2-related conditions. For these reasons, this variant has been classified as Pathogenic.

Literature cited by the submitters: PubMed 21686261; PubMed 26793055; PubMed 27665735.